The following is an entry in ClinVar:

NM_017534.6(MYH2):c.3600G>T (p.Lys1200Asn)

Genes: MYH2 (myosin heavy chain 2; minus strand), MYHAS (myosin heavy chain gene cluster antisense RNA; plus strand). Cytogenetic location: 17p13.1.
Variant type: single nucleotide variant.
Coding change: c.3600G>T on transcript NM_017534.6 (MANE Select); coding-DNA position 3600, G replaced by T.
Protein change: p.Lys1200Asn; replaces lysine 1200 with asparagine.
Molecular consequence: missense variant.
Genome position (GRCh38, 1-based): chr17:10,528,834, C>A on the plus strand (G>T on the coding strand, the complement: MYH2 is on the minus strand). VCF-style: chr17-10528834-C-A. GRCh37 (hg19) VCF-style: chr17-10432151-C-A.
Other names: c.3600G>T, p.Lys1200Asn (NM_001100112.2); short protein forms K1200N.
Identifiers: ClinVar variation 689373 (VCV000689373.2), dbSNP rs974071552, ClinGen allele CA287738609.
Genomic context (GRCh38, chr17:10,528,834, plus strand): 5'-CTTCACTCGCTGCAGGTTGTCAATCTGCTCCCCAAGCTCGGCCACACTATCTGCATGCTT[C>A]TTCCTCAGGGTGGCCGCTGTGGCTTCATGCTGTAGGGTGGCCTCCTCCAGGTCCCTGCGC-3'
Protein context (NP_060004.3, residues 1190-1210): QHEATAATLR[Lys1200Asn]KHADSVAELG

ClinVar aggregate classification (germline): Uncertain significance. Review status: criteria provided, multiple submitters, no conflicts (2 of 4 stars). 2 submissions from 2 submitters: Uncertain significance (2). Last evaluated 2026-01-15.

Conditions:
Muscular dystrophy. Identifiers: Orphanet 98473, MedGen C0026850, MeSH D009136, MONDO:0020121, HP:0003560.
Myopathy, proximal, and ophthalmoplegia (CMYO6). Also called: MYOPATHY WITH CONGENITAL JOINT CONTRACTURES, OPHTHALMOPLEGIA, AND RIMMED VACUOLES; INCLUSION BODY MYOPATHY 3, AUTOSOMAL DOMINANT; CONGENITAL MYOPATHY 6 WITH OPHTHALMOPLEGIA. Identifiers: Orphanet 363677, Orphanet 79091, MedGen C1854106, MONDO:0011577, OMIM 605637.

Allele frequency attached by ClinVar (database versions not stated): gnomAD exomes below 0.00001; TOPMed below 0.00001.
gnomAD v4.1: 1 of 1,614,238 alleles (0.000062%); highest among the groups gnomAD compares: African/African-American, 0.0013%; no homozygotes.

Submissions (2):

Labcorp Genetics (formerly Invitae), Labcorp
Classification: Uncertain significance for Myopathy, proximal, and ophthalmoplegia. Last evaluated: 2026-01-15. Review status: criteria provided, single submitter. Criteria: Invitae Variant Classification Sherloc (09022015). Collection method: clinical testing. Allele origin: germline.
Comment: This sequence change replaces lysine, which is basic and polar, with asparagine, which is neutral and polar, at codon 1200 of the MYH2 protein (p.Lys1200Asn). This variant is not present in population databases (gnomAD no frequency). This missense change has been observed in individual(s) with clinical features of myopathy (PMID: 38374194). ClinVar contains an entry for this variant (Variation ID: 689373). Invitae Evidence Modeling of protein sequence and biophysical properties (such as structural, functional, and spatial information, amino acid conservation, physicochemical variation, residue mobility, and thermodynamic stability) indicates that this missense variant is expected to disrupt MYH2 protein function with a positive predictive value of 80%. In summary, the available evidence is currently insufficient to determine the role of this variant in disease. Therefore, it has been classified as a Variant of Uncertain Significance.

Kariminejad - Najmabadi Pathology & Genetics Center
Classification: Uncertain significance for Muscular dystrophy. Last evaluated: 2018-07-31. Review status: criteria provided, single submitter. Criteria: ACMG Guidelines, 2015. Collection method: clinical testing. Allele origin: germline. Affected: yes.

Literature cited by the submitters: PubMed 38374194 (cited by Labcorp Genetics (formerly Invitae), Labcorp).